The following is an entry in ClinVar:

NM_198334.3(GANAB):c.2302T>C (p.Tyr768His)

Gene: GANAB (glucosidase II alpha subunit; minus strand). Cytogenetic location: 11q12.3.
Variant type: single nucleotide variant.
Coding change: c.2302T>C on transcript NM_198334.3 (MANE Select); coding-DNA position 2302, T replaced by C.
Protein change: p.Tyr768His; replaces tyrosine 768 with histidine.
Molecular consequence: missense variant.
Genome position (GRCh38, 1-based): chr11:62,627,068, A>G on the plus strand (T>C on the coding strand, the complement: GANAB is on the minus strand). VCF-style: chr11-62627068-A-G. GRCh37 (hg19) VCF-style: chr11-62394540-A-G.
Other names: c.2026T>C, p.Tyr676His (NM_001278192.2); c.1960T>C, p.Tyr654His (NM_001278193.2); c.2011T>C, p.Tyr671His (NM_001278194.2, NM_001329222.2, NM_001329223.2); c.1579T>C, p.Tyr527His (NM_001329224.2, NM_001329225.2); c.2368T>C, p.Tyr790His (NM_198335.4); short protein forms Y676H, Y527H, Y671H, Y790H, Y768H, Y654H.
Identifiers: ClinVar variation 2835534 (VCV002835534.3), dbSNP rs2496300362, ClinGen allele CA380988316.

ClinVar aggregate classification (germline): Uncertain significance (1 of 4 stars; one submission).

Allele frequency attached by ClinVar (database versions not stated): gnomAD exomes below 0.00001.
gnomAD v4.1: 1 of 1,613,670 alleles (0.000062%); highest among the groups gnomAD compares: Admixed American, 0.0017%; no homozygotes.

Submission:

Labcorp Genetics (formerly Invitae), Labcorp
Classification: Uncertain significance. Last evaluated: 2025-06-12. Review status: criteria provided, single submitter. Criteria: Invitae Variant Classification Sherloc (09022015). Collection method: clinical testing. Allele origin: germline.
Comment: This sequence change replaces tyrosine, which is neutral and polar, with histidine, which is basic and polar, at codon 790 of the GANAB protein (p.Tyr790His). This variant is not present in population databases (gnomAD no frequency). This variant has not been reported in the literature in individuals affected with GANAB-related conditions. ClinVar contains an entry for this variant (Variation ID: 2835534). Invitae Evidence Modeling of protein sequence and biophysical properties (such as structural, functional, and spatial information, amino acid conservation, physicochemical variation, residue mobility, and thermodynamic stability) indicates that this missense variant is not expected to disrupt GANAB protein function with a negative predictive value of 80%. In summary, the available evidence is currently insufficient to determine the role of this variant in disease. Therefore, it has been classified as a Variant of Uncertain Significance.